The following is an entry in ClinVar:

NM_000127.3(EXT1):c.1673_1684del (p.Thr558_Leu562delinsIle)

Gene: EXT1 (exostosin glycosyltransferase 1; minus strand). Cytogenetic location: 8q24.11.
Variant type: Deletion.
Coding change: c.1673_1684del on transcript NM_000127.3 (MANE Select); coding-DNA positions 1673 to 1684, 12 bases deleted (CAGACGCCGTGC).
Protein change: p.Thr558_Leu562delinsIle.
Molecular consequence: inframe indel.
Genome position (GRCh38, 1-based): chr8:117,812,910-117,812,921, GCACGGCGTCTG deleted on the plus strand (CAGACGCCGTGC on the coding strand, the reverse complement: EXT1 is on the minus strand). VCF-style (leftmost placement, unchanged base first): chr8-117812909-AGCACGGCGTCTG-A. GRCh37 (hg19) VCF-style: chr8-118825148-AGCACGGCGTCTG-A.
Identifiers: ClinVar variation 3362901 (VCV003362901.2).
Genomic context (GRCh38, chr8:117,812,909, plus strand): 5'-GCTCCTCAGGCATGGGTTCTTACCTCTGTTGTTGAAAGCACCGTGTCCTCGTCAAGGCTG[AGCACGGCGTCTG>A]TGATGATGTTGTCGTAGGGCAGAAAACGGCTGCTCATAACCTGGGAGGAAGTAGAAGTAG-3'

ClinVar aggregate classification (germline): Likely pathogenic (1 of 4 stars; one submission).

Conditions:
Exostoses, multiple, type 1 (EXT1). Also called: EXOSTOSES, MULTIPLE, TYPE I; Hereditary Multiple Osteochondromatosis, Type I. Identifiers: MedGen CN263289, MONDO:0007585, OMIM 133700.

Submission:

Molecular Genetics Laboratory, Motol Hospital
Classification: Likely pathogenic for Exostoses, multiple, type 1. Last evaluated: 2024-10-14. Review status: criteria provided, single submitter. Criteria: ACMG Guidelines, 2015. Collection method: clinical testing. Allele origin: paternal. Affected: yes. Observed: 3 variant alleles.
Comment: This variant segregates with a disease in a family with multiple family members (two brothers, their father) affected by multiple exostoses. The variant is rare as it is not present in the gnomAD database (v4.1.0). This deletion-insertion variant alters the structure of the EXT1 protein and therefore it may cause the loss of its activity. To conclude, the variant is classified as likely pathogenic (ACMG PM2, PM4, PP1).

Literature cited by the submitters: PubMed 9463333; PubMed 9521425; PubMed 11391482; PubMed 21039224.